The following is an entry in ClinVar:

NM_015629.4(PRPF31):c.463C>G (p.Leu155Val)

Gene: PRPF31 (pre-mRNA processing factor 31; plus strand). Cytogenetic location: 19q13.42.
Variant type: single nucleotide variant.
Coding change: c.463C>G on transcript NM_015629.4 (MANE Select); coding-DNA position 463, C replaced by G.
Protein change: p.Leu155Val; replaces leucine 155 with valine.
Molecular consequence: missense variant.
Genome position (GRCh38, 1-based): chr19:54,123,496, C>G. VCF-style: chr19-54123496-C-G. GRCh37 (hg19) VCF-style: chr19-54626875-C-G.
Other names: short protein forms L155V.
Identifiers: ClinVar variation 1524213 (VCV001524213.8), dbSNP rs1372880764, ClinGen allele CA407750273.

ClinVar aggregate classification (germline): Uncertain significance (1 of 4 stars; one submission).

Allele frequency attached by ClinVar (database versions not stated): gnomAD exomes below 0.00001.
gnomAD v4.1: 1 of 1,614,204 alleles (0.000062%); highest among the groups gnomAD compares: Admixed American, 0.0017%; no homozygotes.

Submission:

Labcorp Genetics (formerly Invitae), Labcorp
Classification: Uncertain significance. Last evaluated: 2025-05-05. Review status: criteria provided, single submitter. Criteria: Invitae Variant Classification Sherloc (09022015). Collection method: clinical testing. Allele origin: germline.
Comment: This sequence change replaces leucine, which is neutral and non-polar, with valine, which is neutral and non-polar, at codon 155 of the PRPF31 protein (p.Leu155Val). This variant is present in population databases (no rsID available, gnomAD 0.003%). This variant has not been reported in the literature in individuals affected with PRPF31-related conditions. ClinVar contains an entry for this variant (Variation ID: 1524213). An algorithm developed to predict the effect of missense changes on protein structure and function (PolyPhen-2) suggests that this variant is likely to be tolerated. In summary, the available evidence is currently insufficient to determine the role of this variant in disease. Therefore, it has been classified as a Variant of Uncertain Significance.